The following is an entry in ClinVar:

NM_003921.5(BCL10):c.76G>A (p.Val26Ile)

Gene: BCL10 (BCL10 immune signaling adaptor; minus strand). Cytogenetic location: 1p22.3.
Variant type: single nucleotide variant.
Coding change: c.76G>A on transcript NM_003921.5 (MANE Select); coding-DNA position 76, G replaced by A.
Protein change: p.Val26Ile; replaces valine 26 with isoleucine.
Molecular consequence: missense variant.
Genome position (GRCh38, 1-based): chr1:85,270,888, C>T on the plus strand (G>A on the coding strand, the complement: BCL10 is on the minus strand). VCF-style: chr1-85270888-C-T. GRCh37 (hg19) VCF-style: chr1-85736571-C-T.
Other names: c.76G>A, p.Val26Ile (NM_001320715.2); short protein forms V26I.
Identifiers: ClinVar variation 1063260 (VCV001063260.9), dbSNP rs2100748126, ClinGen allele CA340952059.

ClinVar aggregate classification (germline): Uncertain significance (1 of 4 stars; one submission).

Conditions:
Immunodeficiency 37 (IMD37). Identifiers: MedGen C4015195, MONDO:0014491, OMIM 616098.

Allele frequency attached by ClinVar (database versions not stated): gnomAD exomes below 0.00001.
gnomAD v4.1: 1 of 1,608,486 alleles (0.000062%); highest among the groups gnomAD compares: Non-Finnish European, 0.000085%; no homozygotes.

Submission:

Labcorp Genetics (formerly Invitae), Labcorp
Classification: Uncertain significance for Immunodeficiency 37. Last evaluated: 2020-01-03. Review status: criteria provided, single submitter. Criteria: Invitae Variant Classification Sherloc (09022015). Collection method: clinical testing. Allele origin: germline.
Comment: In summary, the available evidence is currently insufficient to determine the role of this variant in disease. Therefore, it has been classified as a Variant of Uncertain Significance. Algorithms developed to predict the effect of missense changes on protein structure and function (SIFT, PolyPhen-2, Align-GVGD) all suggest that this variant is likely to be tolerated, but these predictions have not been confirmed by published functional studies and their clinical significance is uncertain. This variant has not been reported in the literature in individuals with BCL10-related conditions. This variant is not present in population databases (ExAC no frequency). This sequence change replaces valine with isoleucine at codon 26 of the BCL10 protein (p.Val26Ile). The valine residue is moderately conserved and there is a small physicochemical difference between valine and isoleucine.